The following is an entry in ClinVar:

ClinVar aggregate classification (germline): Benign/Likely benign. Review status: criteria provided, multiple submitters, no conflicts (2 of 4 stars). 8 submissions from 8 submitters: Benign (3); Likely benign (4). 1 of the submissions does not count toward it. Last evaluated 2026-01-26.

Conditions:
Primary ciliary dyskinesia. Also called: Ciliary dyskinesia. Identifiers: Orphanet 244, MedGen C0008780, MONDO:0016575, HP:0012265.
Primary ciliary dyskinesia 9. Also called: CILIARY DYSKINESIA, PRIMARY, 9, WITH OR WITHOUT SITUS INVERSUS. Identifiers: Orphanet 244, MedGen C2676235, MONDO:0012906, OMIM 612444.

Allele frequency attached by ClinVar (database versions not stated): gnomAD 0.00428 and 0.00458; ESP Exome Variant Server 0.00492; TOPMed 0.00536; 1000 Genomes Project 0.00559; 1000 Genomes Project 30x 0.00609.
gnomAD v4.1: 1,285 of 1,613,514 alleles (0.08%); highest among the groups gnomAD compares: African/African-American, 1.4%; 7 homozygotes.

Submissions (8):

Labcorp Genetics (formerly Invitae), Labcorp
Classification: Benign for Primary ciliary dyskinesia. Last evaluated: 2026-01-26. Review status: criteria provided, single submitter. Criteria: Invitae Variant Classification Sherloc (09022015). Collection method: clinical testing. Allele origin: germline.

Blueprint Genetics
Classification: Likely benign. Last evaluated: 2024-11-13. Review status: criteria provided, single submitter. Criteria: ACMG Guidelines, 2015. Collection method: clinical testing. Allele origin: germline.

GeneDx
Classification: Likely benign. Last evaluated: 2021-05-06. Review status: criteria provided, single submitter. Criteria: GeneDx Variant Classification Process June 2021. Collection method: clinical testing. Allele origin: germline. Affected: yes.

Ambry Genetics
Classification: Benign for Primary ciliary dyskinesia. Last evaluated: 2019-10-10. Review status: criteria provided, single submitter. Criteria: Ambry Variant Classification Scheme 2023. Collection method: clinical testing. Allele origin: germline.

Illumina Laboratory Services, Illumina
Classification: Likely benign for Primary ciliary dyskinesia 9. Last evaluated: 2018-01-12. Review status: criteria provided, single submitter. Criteria: ICSL Variant Classification Criteria 13 December 2019. Collection method: clinical testing. Allele origin: germline.
Comment: This variant was observed in the ICSL laboratory as part of a predisposition screen in an ostensibly healthy population. It had not been previously curated by ICSL or reported in the Human Gene Mutation Database (HGMD: prior to June 1st, 2018), and was therefore a candidate for classification through an automated scoring system. Utilizing variant allele frequency, disease prevalence and penetrance estimates, and inheritance mode, an automated score was calculated to assess if this variant is too frequent to cause the disease. Based on the score and internal cut-off values, a variant classified as likely benign is not then subjected to further curation. The score for this variant resulted in a classification of likely benign for this disease.

Breakthrough Genomics
Classification: Likely benign. Review status: criteria provided, single submitter. Criteria: ACMG Guidelines, 2015. Collection method: not provided. Allele origin: germline. Inheritance: Autosomal recessive inheritance. Affected: yes.

PreventionGenetics, part of Exact Sciences
Classification: Benign. Review status: criteria provided, single submitter. Criteria: ACMG Guidelines, 2015. Collection method: clinical testing. Allele origin: germline.

Natera, Inc.
Classification: Likely benign for Primary ciliary dyskinesia. Last evaluated: 2019-10-22. Review status: no assertion criteria provided. Collection method: clinical testing. Allele origin: germline. Not counted in ClinVar's aggregate classification.

NM_023036.6(DNAI2):c.747C>T (p.Gly249=)

Gene: DNAI2 (dynein axonemal intermediate chain 2; plus strand). Cytogenetic location: 17q25.1.
Variant type: single nucleotide variant.
Coding change: c.747C>T on transcript NM_023036.6 (MANE Select); coding-DNA position 747, C replaced by T.
Protein change: p.Gly249=; no amino-acid change (glycine 249 retained).
Molecular consequence: synonymous variant. On other transcripts: non-coding transcript variant (1).
Genome position (GRCh38, 1-based): chr17:74,299,740, C>T. VCF-style: chr17-74299740-C-T. GRCh37 (hg19) VCF-style: chr17-72295879-C-T.
Other names: c.747C>T, p.Gly249= (NM_001172810.3, NM_001353167.2).
Identifiers: ClinVar variation 261655 (VCV000261655.28), dbSNP rs148488355, ClinGen allele CA8745482.